The following is an entry in ClinVar:

ClinVar aggregate classification (germline): Uncertain significance (1 of 4 stars; one submission).

gnomAD v4.1: 14 of 1,599,554 alleles (0.00088%); highest among the groups gnomAD compares: East Asian, 0.0067%; no homozygotes.

Submission:

Women's Health and Genetics/Laboratory Corporation of America, LabCorp
Classification: Uncertain significance. Last evaluated: 2025-12-31. Review status: criteria provided, single submitter. Criteria: LabCorp Variant Classification Summary - May 2015. Collection method: clinical testing. Allele origin: germline.
Comment: Variant summary: RERE c.2762C>T (p.Ala921Val) results in a non-conservative amino acid change in the encoded protein sequence. Algorithms developed to predict the effect of missense changes on protein structure and function are either unavailable or do not agree on the potential impact of this missense change. The variant allele was found at a frequency of 8.8e-06 in 1592820 control chromosomes. This frequency is not significantly higher than the estimated maximum expected for disease-causing variants in RERE, allowing no clear conclusions about variant significance, although occurrence in multiple carriers suggests that this variant is likely not associated with a high penetrance, severe, early onset disease phenotype in heterozygous state. To our knowledge, no occurrence of c.2762C>T in individuals affected with RERE-related conditions and no experimental evidence demonstrating its impact on protein function have been reported. No submitters have cited clinical-significance assessments for this variant to ClinVar. Based on the evidence outlined above, the variant was classified as uncertain significance.

NM_001042681.2(RERE):c.2762C>T (p.Ala921Val)

Gene: RERE (arginine-glutamic acid dipeptide repeats; minus strand). Cytogenetic location: 1p36.23.
Variant type: single nucleotide variant.
Coding change: c.2762C>T on transcript NM_001042681.2 (MANE Select); coding-DNA position 2762, C replaced by T.
Protein change: p.Ala921Val; replaces alanine 921 with valine.
Molecular consequence: missense variant.
Genome position (GRCh38, 1-based): chr1:8,360,745, G>A on the plus strand (C>T on the coding strand, the complement: RERE is on the minus strand). VCF-style: chr1-8360745-G-A. GRCh37 (hg19) VCF-style: chr1-8420805-G-A.
Other names: c.1100C>T, p.Ala367Val (NM_001042682.2); c.2762C>T, p.Ala921Val (NM_012102.4); short protein forms A367V, A921V.
Identifiers: ClinVar variation 4688807 (VCV004688807.1).